The following is an entry in ClinVar:

ClinVar aggregate classification (germline): conflicting data from submitters (0 of 4 stars; one submission).

Submission:

ISCA site 1
Classification: conflicting data from submitters. Last evaluated: 2012-04-05. Review status: no assertion criteria provided. Collection method: clinical testing. Allele origin: unknown, paternal. Affected: yes. Observed: 4 variant alleles. Clinical features observed: Developmental delay AND/OR other significant developmental or morphological phenotypes, Porencephaly (HP:0002132), Heterotopia (HP:0002282), Oral cleft (HP:0000202), Sacral dimple (HP:0000960), Intrauterine growth retardation (HP:0001511), Atrial septal defect (HP:0001631), Abnormal facial shape (HP:0001999).
Comment: Uncertain significance(1), Likely benign (3)

Copy number variation identified through the course of routine clinical cytogenomic testing in postnatal populations, with clinical assertions as classified by the original submitter. For data from the original published study, Kaminsky, et al. 2011 (PubMed 21844811), please see nstd101.

GRCh38/hg38 19p12(chr19:23665911-24195691)x3

Genes: LINC03085 (long intergenic non-protein coding RNA 3085; plus strand), RPSA2 (ribosomal protein SA 2; plus strand), ZNF254 (zinc finger protein 254; plus strand), ZNF675 (zinc finger protein 675; minus strand), ZNF681 (zinc finger protein 681; minus strand) and 11 more. Cytogenetic location: 19p12.
Variant type: copy number gain.
Change: copy number 3 (three copies instead of two) of chr19:23,665,911-24,195,691 (529.8 kb, GRCh38 coordinates, 1-based), cytogenetic band 19p12.
Identifiers: ClinVar variation 150152 (VCV000150152.2).